The following is an entry in ClinVar:

ClinVar aggregate classification (germline): Uncertain significance. Review status: criteria provided, multiple submitters, no conflicts (2 of 4 stars). 3 submissions from 3 submitters: Uncertain significance (3). Last evaluated 2023-08-28.

Allele frequency attached by ClinVar (database versions not stated): gnomAD 0.00002 and 0.00004; gnomAD exomes 0.00005; TOPMed 0.00005; ExAC 0.00013; 1000 Genomes Project 30x 0.00016; 1000 Genomes Project 0.00020.

Submissions (3):

Labcorp Genetics (formerly Invitae), Labcorp
Classification: Uncertain significance. Last evaluated: 2023-08-28. Review status: criteria provided, single submitter. Criteria: Invitae Variant Classification Sherloc (09022015). Collection method: clinical testing. Allele origin: germline.
Comment: In summary, the available evidence is currently insufficient to determine the role of this variant in disease. Therefore, it has been classified as a Variant of Uncertain Significance. Advanced modeling of protein sequence and biophysical properties (such as structural, functional, and spatial information, amino acid conservation, physicochemical variation, residue mobility, and thermodynamic stability) performed at Invitae indicates that this missense variant is not expected to disrupt PDZD7 protein function. ClinVar contains an entry for this variant (Variation ID: 929919). This variant has not been reported in the literature in individuals affected with PDZD7-related conditions. This variant is present in population databases (rs572462059, gnomAD 0.02%). This sequence change replaces proline, which is neutral and non-polar, with leucine, which is neutral and non-polar, at codon 513 of the PDZD7 protein (p.Pro513Leu).

GeneDx
Classification: Uncertain significance. Last evaluated: 2023-02-28. Review status: criteria provided, single submitter. Criteria: GeneDx Variant Classification Process June 2021. Collection method: clinical testing. Allele origin: germline. Affected: yes.
Comment: In silico analysis supports that this missense variant does not alter protein structure/function; Has not been previously published as pathogenic or benign to our knowledge

Laboratory for Molecular Medicine, Mass General Brigham Personalized Medicine
Classification: Uncertain significance. Last evaluated: 2020-01-16. Review status: criteria provided, single submitter. Criteria: LMM Criteria. Collection method: clinical testing. Allele origin: germline. Observed: 1 variant allele.
Comment: The p.Pro513Leu variant in PDZD7 has not been previously reported in individuals with hearing loss but has been identified in 0.01% (4/25404) of Latino chromosomes by gnomAD. Computational prediction tools and conservation analyses do not provide strong support for or against an impact to the protein. In summary, the clinical significance of this variant is uncertain. ACMG/AMP Criteria applied: PM2_Supporting.

NM_001195263.2(PDZD7):c.1538C>T (p.Pro513Leu)

Gene: PDZD7 (PDZ domain containing 7; minus strand). Cytogenetic location: 10q24.31.
Variant type: single nucleotide variant.
Coding change: c.1538C>T on transcript NM_001195263.2 (MANE Select); coding-DNA position 1538, C replaced by T.
Protein change: p.Pro513Leu; replaces proline 513 with leucine.
Molecular consequence: missense variant.
Genome position (GRCh38, 1-based): chr10:101,016,412, G>A on the plus strand (C>T on the coding strand, the complement: PDZD7 is on the minus strand). VCF-style: chr10-101016412-G-A. GRCh37 (hg19) VCF-style: chr10-102776169-G-A.
Other names: short protein forms P513L.
Identifiers: ClinVar variation 929919 (VCV000929919.13), dbSNP rs572462059, ClinGen allele CA5654056.
Genomic context (GRCh38, chr10:101,016,412, plus strand): 5'-CTTGGTAAAGGGATGCATGAATTACCACGTCTCAGTCTCCAGGTGACAAACTTCTGTACC[G>A]GGCCCACGCCCCCTGCTATGAAGAAGAAAGAGGCTCAGCTGCAGGCCTTGGCCCCCAGTC-3'
Protein context (NP_001182192.1, residues 503-523): LDIEKAGGVG[Pro513Leu]VQKFVTWRLR